The following is an entry in ClinVar:

ClinVar aggregate classification (germline): Uncertain significance. Review status: criteria provided, multiple submitters, no conflicts (2 of 4 stars). 2 submissions from 2 submitters: Uncertain significance (2). Last evaluated 2024-08-01.

Conditions:
Inflammatory bowel disease. Identifiers: Orphanet 104012, MedGen C0021390, MONDO:0005265.

gnomAD v4.1: 14 of 1,614,232 alleles (0.00087%); highest among the groups gnomAD compares: Non-Finnish European, 0.0012%; no homozygotes.

Submissions (2):

CeGaT Center for Human Genetics Tuebingen
Classification: Uncertain significance. Last evaluated: 2024-08-01. Review status: criteria provided, single submitter. Criteria: CeGaT Center For Human Genetics Tuebingen Variant Classification Criteria Version 2. Collection method: clinical testing. Allele origin: germline. Affected: yes. Observed: 1 variant allele.
Comment: IL10: PM2, BP4

Labcorp Genetics (formerly Invitae), Labcorp
Classification: Uncertain significance for Inflammatory bowel disease. Last evaluated: 2020-01-28. Review status: criteria provided, single submitter. Criteria: Invitae Variant Classification Sherloc (09022015). Collection method: clinical testing. Allele origin: germline.
Comment: In summary, the available evidence is currently insufficient to determine the role of this variant in disease. Therefore, it has been classified as a Variant of Uncertain Significance. Algorithms developed to predict the effect of missense changes on protein structure and function (SIFT, PolyPhen-2, Align-GVGD) all suggest that this variant is likely to be tolerated, but these predictions have not been confirmed by published functional studies and their clinical significance is uncertain. This variant has not been reported in the literature in individuals with IL10-related conditions. This variant is not present in population databases (ExAC no frequency). This sequence change replaces proline with threonine at codon 34 of the IL10 protein (p.Pro34Thr). The proline residue is moderately conserved and there is a small physicochemical difference between proline and threonine.

NM_000572.3(IL10):c.100C>A (p.Pro34Thr)

Genes: IL10 (interleukin 10; minus strand), IL19 (interleukin 19; plus strand), LOC128462409 (CRISPRi-FlowFISH-validated IL10 regulatory element GRCh37_chr1:206945468-206946089; plus strand). Cytogenetic location: 1q32.1.
Variant type: single nucleotide variant.
Coding change: c.100C>A on transcript NM_000572.3 (MANE Select); coding-DNA position 100, C replaced by A.
Protein change: p.Pro34Thr; replaces proline 34 with threonine.
Molecular consequence: missense variant. On other transcripts: non-coding transcript variant (1), intron variant (2).
Genome position (GRCh38, 1-based): chr1:206,772,336, G>T on the plus strand (C>A on the coding strand, the complement: IL10 is on the minus strand). VCF-style: chr1-206772336-G-T. GRCh37 (hg19) VCF-style: chr1-206945681-G-T.
Other names: c.-149+1258G>T (NM_153758.5); c.-149+1506G>T (NM_001393490.1); short protein forms P34T.
Identifiers: ClinVar variation 1051340 (VCV001051340.26), dbSNP rs2102441015, ClinGen allele CA344482577.